The following is an entry in ClinVar:

NM_007373.4(SHOC2):c.1090C>T (p.His364Tyr)

Gene: SHOC2 (SHOC2 leucine rich repeat scaffold protein; plus strand). Cytogenetic location: 10q25.2.
Variant type: single nucleotide variant.
Coding change: c.1090C>T on transcript NM_007373.4 (MANE Select); coding-DNA position 1090, C replaced by T.
Protein change: p.His364Tyr; replaces histidine 364 with tyrosine.
Molecular consequence: missense variant. On other transcripts: non-coding transcript variant (1).
Genome position (GRCh38, 1-based): chr10:111,004,723, C>T. VCF-style: chr10-111004723-C-T. GRCh37 (hg19) VCF-style: chr10-112764481-C-T.
Other names: c.952C>T, p.His318Tyr (NM_001269039.3); c.1090C>T, p.His364Tyr (NM_001324336.2, NM_001324337.2); short protein forms H318Y, H364Y.
Identifiers: ClinVar variation 3226182 (VCV003226182.1), dbSNP rs2493945678, ClinGen allele CA378523116.

ClinVar aggregate classification (germline): Uncertain significance (1 of 4 stars; one submission).

Conditions:
Cardiovascular phenotype. Identifiers: MedGen CN230736.

Submission:

Ambry Genetics
Classification: Uncertain significance for Cardiovascular phenotype. Last evaluated: 2024-01-29. Review status: criteria provided, single submitter. Criteria: Ambry Variant Classification Scheme 2023. Collection method: clinical testing. Allele origin: germline.
Comment: The p.H364Y variant (also known as c.1090C>T), located in coding exon 4 of the SHOC2 gene, results from a C to T substitution at nucleotide position 1090. The histidine at codon 364 is replaced by tyrosine, an amino acid with similar properties. This amino acid position is conserved. In addition, the in silico prediction for this alteration is inconclusive. Based on the available evidence, the clinical significance of this alteration remains unclear.